The following is an entry in ClinVar:

ClinVar aggregate classification (germline): Benign. Review status: criteria provided, multiple submitters, no conflicts (2 of 4 stars). 3 submissions from 3 submitters: Benign (3). Last evaluated 2024-07-15.

Allele frequency attached by ClinVar (database versions not stated): 1000 Genomes Project 30x 0.37508; 1000 Genomes Project 0.37560; TOPMed 0.38953; gnomAD 0.39440 and 0.39511.

Submissions (3):

Unidad de Genómica Garrahan, Hospital de Pediatría Garrahan
Classification: Benign. Last evaluated: 2024-07-15. Review status: criteria provided, single submitter. Criteria: ACMG Guidelines, 2015. Collection method: clinical testing. Allele origin: germline. Affected: no. Observed: 38 variant alleles.
Comment: This variant is classified as Benign based on local population frequency. This variant was detected in 41% of patients studied in a panel designed for Epileptic and Developmental Encephalopathy and Progressive Myoclonus Epilepsy. Number of patients: 38. Only high quality variants are reported.

GeneDx
Classification: Benign. Last evaluated: 2018-06-14. Review status: criteria provided, single submitter. Criteria: GeneDx Variant Classification (06012015). Collection method: clinical testing. Allele origin: germline. Affected: yes.
Comment: This variant is considered likely benign or benign based on one or more of the following criteria: it is a conservative change, it occurs at a poorly conserved position in the protein, it is predicted to be benign by multiple in silico algorithms, and/or has population frequency not consistent with disease.

Breakthrough Genomics
Classification: Benign. Review status: criteria provided, single submitter. Criteria: ACMG Guidelines, 2015. Collection method: not provided. Allele origin: germline. Inheritance: Autosomal recessive inheritance. Affected: yes.

NM_007254.4(PNKP):c.151+245G>A

Gene: PNKP (polynucleotide kinase 3'-phosphatase; minus strand). Cytogenetic location: 19q13.33.
Variant type: single nucleotide variant.
Coding change: c.151+245G>A on transcript NM_007254.4 (MANE Select); 245 bases into the intron after coding-DNA position 151, G replaced by A.
Molecular consequence: intron variant.
Genome position (GRCh38, 1-based): chr19:49,866,809, C>T on the plus strand (G>A on the coding strand, the complement: PNKP is on the minus strand). VCF-style: chr19-49866809-C-T. GRCh37 (hg19) VCF-style: chr19-50370066-C-T.
Identifiers: ClinVar variation 667942 (VCV000667942.4), dbSNP rs2257103, ClinGen allele CA14646120.